The following is an entry in ClinVar:

ClinVar aggregate classification (germline): Uncertain significance. Review status: criteria provided, multiple submitters, no conflicts (2 of 4 stars). 3 submissions from 3 submitters: Uncertain significance (3). Last evaluated 2025-08-14.

Conditions:
Inborn genetic diseases. Identifiers: MedGen C0950123, MeSH D030342.
Sulfite oxidase deficiency due to molybdenum cofactor deficiency type C. Also called: Molybdenum cofactor deficiency C; Molybdenum cofactor deficiency, complementation group C. Identifiers: Orphanet 308400, Orphanet 833, MedGen C1854990, MONDO:0014212, OMIM 615501.

Allele frequency attached by ClinVar (database versions not stated): gnomAD exomes 0.00002; TOPMed 0.00002; gnomAD 0.00007.
gnomAD v4.1: 19 of 1,574,262 alleles (0.0012%); highest among the groups gnomAD compares: Admixed American, 0.027%; no homozygotes.

Submissions (3):

Ambry Genetics
Classification: Uncertain significance for Inborn genetic diseases. Last evaluated: 2025-08-14. Review status: criteria provided, single submitter. Criteria: Ambry Variant Classification Scheme 2023. Collection method: clinical testing. Allele origin: germline.

Labcorp Genetics (formerly Invitae), Labcorp
Classification: Uncertain significance for Sulfite oxidase deficiency due to molybdenum cofactor deficiency type C. Last evaluated: 2024-04-18. Review status: criteria provided, single submitter. Criteria: Invitae Variant Classification Sherloc (09022015). Collection method: clinical testing. Allele origin: germline.
Comment: This sequence change replaces alanine, which is neutral and non-polar, with serine, which is neutral and polar, at codon 55 of the GPHN protein (p.Ala55Ser). This variant is present in population databases (no rsID available, gnomAD 0.01%). This variant has not been reported in the literature in individuals affected with GPHN-related conditions. ClinVar contains an entry for this variant (Variation ID: 1032857). Advanced modeling of protein sequence and biophysical properties (such as structural, functional, and spatial information, amino acid conservation, physicochemical variation, residue mobility, and thermodynamic stability) performed at Invitae indicates that this missense variant is not expected to disrupt GPHN protein function with a negative predictive value of 80%. In summary, the available evidence is currently insufficient to determine the role of this variant in disease. Therefore, it has been classified as a Variant of Uncertain Significance.

Baylor Genetics
Classification: Uncertain significance for Sulfite oxidase deficiency due to molybdenum cofactor deficiency type C. Last evaluated: 2018-12-05. Review status: criteria provided, single submitter. Criteria: ACMG Guidelines, 2015. Collection method: clinical testing. Allele origin: unknown. Affected: yes.
Comment: This variant was determined to be of uncertain significance according to ACMG Guidelines, 2015 [PMID:25741868].

NM_020806.5(GPHN):c.163G>T (p.Ala55Ser)

Gene: GPHN (gephyrin; plus strand). Cytogenetic location: 14q23.3.
Variant type: single nucleotide variant.
Coding change: c.163G>T on transcript NM_020806.5 (MANE Select); coding-DNA position 163, G replaced by T.
Protein change: p.Ala55Ser; replaces alanine 55 with serine.
Molecular consequence: missense variant.
Genome position (GRCh38, 1-based): chr14:66,776,483, G>T. VCF-style: chr14-66776483-G-T. GRCh37 (hg19) VCF-style: chr14-67243201-G-T.
Other names: c.163G>T, p.Ala55Ser (NM_001024218.2, NM_001377514.1, NM_001377515.1 and 4 more transcripts); short protein forms A55S.
Identifiers: ClinVar variation 1032857 (VCV001032857.5), dbSNP rs1395600594, ClinGen allele CA390255211.